The following is an entry in ClinVar:

NM_000127.3(EXT1):c.1429_1431delinsACT (p.Pro477Thr)

Gene: EXT1 (exostosin glycosyltransferase 1; minus strand). Cytogenetic location: 8q24.11.
Variant type: Indel.
Coding change: c.1429_1431delinsACT on transcript NM_000127.3 (MANE Select); coding-DNA positions 1429 to 1431, CCC replaced by ACT.
Protein change: p.Pro477Thr; replaces proline 477 with threonine.
Molecular consequence: missense variant.
Genome position (GRCh38, 1-based): chr8:117,819,781-117,819,783, GGG replaced by AGT on the plus strand (CCC replaced by ACT on the coding strand, the reverse complement: EXT1 is on the minus strand). VCF-style: chr8-117819781-GGG-AGT. GRCh37 (hg19) VCF-style: chr8-118832020-GGG-AGT.
Other names: c.1429_1431delCCCinsACT, p.Pro477Thr (NM_000127.2); short protein forms P477T.
Identifiers: ClinVar variation 4813141 (VCV004813141.1).
Genomic context (GRCh38, chr8:117,819,781, plus strand): 5'-CACTGGCTGGGACTGAGAGACCAGGGGGGTCACCGCATGGATGACTGCAGTGAATTTGGA[GGG>AGT]GGGCTTTAAACCTGAAATAAAAAGGAGAGTAGAGCCTAATGAAGCGCTGGAAAGCAAGAC-3'
Protein context (NP_000118.2, residues 467-487): YYYANLGLKP[Pro477Thr]SKFTAVIHAV

ClinVar aggregate classification (germline): Uncertain significance (1 of 4 stars; one submission).

Conditions:
Exostoses, multiple, type 1 (EXT1). Also called: Hereditary Multiple Osteochondromatosis, Type I; EXOSTOSES, MULTIPLE, TYPE I. Identifiers: MedGen CN263289, MONDO:0007585, OMIM 133700.

Submission:

St. Jude Molecular Pathology, St. Jude Children's Research Hospital
Classification: Uncertain significance for Exostoses, multiple, type 1. Last evaluated: 2026-02-11. Review status: criteria provided, single submitter. Criteria: St. Jude Assertion Criteria 2020. Collection method: clinical testing. Allele origin: germline.
Comment: The EXT1 c.1429_1431delinsACT p.(Pro477Thr) change results from the deletion of 3 nucleotides and insertion of 3 nucleotides, replacing a proline with a threonine at codon 477. This variant is absent in gnomAD v2.1.1. To our knowledge, this variant has not been reported in individuals with hereditary multiple exostoses. In summary, the evidence currently available is insufficient to determine the clinical significance of this variant. It has therefore been classified as of uncertain significance.